The following is an entry in ClinVar:

ClinVar aggregate classification (germline): Uncertain significance (1 of 4 stars; one submission).

Conditions:
Imerslund-Grasbeck syndrome. Also called: ENTEROCYTE COBALAMIN MALABSORPTION; ENTEROCYTE INTRINSIC FACTOR RECEPTOR, DEFECT OF; Megaloblastic anemia due to inborn errors of metabolism; PERNICIOUS ANEMIA, JUVENILE, DUE TO SELECTIVE INTESTINAL MALABSORPTION OF VITAMIN B12, WITH PROTEINURIA; Imerslund-Gräsbeck syndrome. Identifiers: Orphanet 35858, MedGen C4551825, MONDO:0009853.

Allele frequency attached by ClinVar (database versions not stated): gnomAD exomes 0.00001; ExAC 0.00002.
gnomAD v4.1: 9 of 1,613,936 alleles (0.00056%); highest among the groups gnomAD compares: Admixed American, 0.01%; no homozygotes.

Submission:

Labcorp Genetics (formerly Invitae), Labcorp
Classification: Uncertain significance for Imerslund-Grasbeck syndrome. Last evaluated: 2022-03-22. Review status: criteria provided, single submitter. Criteria: Invitae Variant Classification Sherloc (09022015). Collection method: clinical testing. Allele origin: germline.
Comment: In summary, the available evidence is currently insufficient to determine the role of this variant in disease. Therefore, it has been classified as a Variant of Uncertain Significance. Algorithms developed to predict the effect of missense changes on protein structure and function are either unavailable or do not agree on the potential impact of this missense change (SIFT: "Deleterious"; PolyPhen-2: "Probably Damaging"; Align-GVGD: "Class C0"). This variant has not been reported in the literature in individuals affected with CUBN-related conditions. This variant is present in population databases (rs757725121, gnomAD 0.01%). This sequence change replaces cysteine, which is neutral and slightly polar, with arginine, which is basic and polar, at codon 2147 of the CUBN protein (p.Cys2147Arg).

NM_001081.4(CUBN):c.6439T>C (p.Cys2147Arg)

Gene: CUBN (cubilin; minus strand). Cytogenetic location: 10p13.
Variant type: single nucleotide variant.
Coding change: c.6439T>C on transcript NM_001081.4 (MANE Select); coding-DNA position 6439, T replaced by C.
Protein change: p.Cys2147Arg; replaces cysteine 2147 with arginine.
Molecular consequence: missense variant.
Genome position (GRCh38, 1-based): chr10:16,925,607, A>G on the plus strand (T>C on the coding strand, the complement: CUBN is on the minus strand). VCF-style: chr10-16925607-A-G. GRCh37 (hg19) VCF-style: chr10-16967606-A-G.
Other names: short protein forms C2147R.
Identifiers: ClinVar variation 1981403 (VCV001981403.4), dbSNP rs757725121, ClinGen allele CA5423690.
Genomic context (GRCh38, chr10:16,925,607, plus strand): 5'-GGAAAATGTAATTAGAAAGGGTAGCAGCAAGACCTACCACCAAGTAATCCCCCTGGTTGC[A>G]AGAAGAATCTCCATTTGGAATCTGGAAAGGCTGTTCAAAATGGACAGCAATGGTCAGGCC-3'
Protein context (NP_001072.2, residues 2137-2157): PFQIPNGDSS[Cys2147Arg]NQGDYLVLRN